The following is an entry in ClinVar:

ClinVar aggregate classification (germline): Uncertain significance (1 of 4 stars; one submission).

Submission:

Dasa
Classification: Uncertain significance. Last evaluated: 2025-09-29. Review status: criteria provided, single submitter. Criteria: DASA Assertion Criteria. Collection method: clinical testing. Allele origin: germline.
Comment: NM_003705.5(SLC25A12):c.1351A>G (p.Lys451Glu) is a missense variant that results in the substitution of lysine with glutamic acid. This variant is rare in population databases. Computational prediction algorithms are consistent with a deleterious effect. The currently available literature and clinical evidence are not sufficient to establish a definitive association between this variant and the reported condition. Therefore, this variant is classified as a variant of uncertain significance.

NM_003705.5(SLC25A12):c.1351A>G (p.Lys451Glu)

Gene: SLC25A12 (solute carrier family 25 member 12; minus strand). Cytogenetic location: 2q31.1.
Variant type: single nucleotide variant.
Coding change: c.1351A>G on transcript NM_003705.5 (MANE Select); coding-DNA position 1351, A replaced by G.
Protein change: p.Lys451Glu; replaces lysine 451 with glutamic acid.
Molecular consequence: missense variant. On other transcripts: non-coding transcript variant (1).
Genome position (GRCh38, 1-based): chr2:171,793,722, T>C on the plus strand (A>G on the coding strand, the complement: SLC25A12 is on the minus strand). VCF-style: chr2-171793722-T-C. GRCh37 (hg19) VCF-style: chr2-172650232-T-C.
Other names: short protein forms K451E.
Identifiers: ClinVar variation 4885326 (VCV004885326.2).